The following is an entry in ClinVar:

NM_016145.4(WDR83OS):c.5C>G (p.Ser2Cys)

Genes: WDR83 (WD repeat domain 83; plus strand), WDR83OS (WD repeat domain 83 opposite strand; minus strand). Cytogenetic location: 19p13.13.
Variant type: single nucleotide variant.
Coding change: c.5C>G on transcript NM_016145.4 (MANE Select); coding-DNA position 5, C replaced by G.
Protein change: p.Ser2Cys; replaces serine 2 with cysteine.
Molecular consequence: missense variant. On other transcripts: intron variant (1).
Genome position (GRCh38, 1-based): chr19:12,669,399, G>C on the plus strand (C>G on the coding strand, the complement: WDR83OS is on the minus strand). VCF-style: chr19-12669399-G-C. GRCh37 (hg19) VCF-style: chr19-12780213-G-C.
Other names: c.-36-356G>C (NM_001099737.3); short protein forms S2C.
Identifiers: ClinVar variation 2078051 (VCV002078051.4), dbSNP rs61742430, ClinGen allele CA9227057.

ClinVar aggregate classification (germline): Uncertain significance. Review status: criteria provided, multiple submitters, no conflicts (2 of 4 stars). 2 submissions from 2 submitters: Uncertain significance (2). Last evaluated 2024-04-08.

Allele frequency attached by ClinVar (database versions not stated): gnomAD 0.00007; ExAC 0.00009; TOPMed 0.00014; 1000 Genomes Project 30x 0.00016; 1000 Genomes Project 0.00020.
gnomAD v4.1: 125 of 1,597,110 alleles (0.0078%); highest among the groups gnomAD compares: Admixed American, 0.023%; no homozygotes.

Submissions (2):

Ambry Genetics
Classification: Uncertain significance. Last evaluated: 2024-04-08. Review status: criteria provided, single submitter. Criteria: Ambry Variant Classification Scheme 2023. Collection method: clinical testing. Allele origin: germline.

Labcorp Genetics (formerly Invitae), Labcorp
Classification: Uncertain significance. Last evaluated: 2022-08-29. Review status: criteria provided, single submitter. Criteria: Invitae Variant Classification Sherloc (09022015). Collection method: clinical testing. Allele origin: germline.
Comment: In summary, the available evidence is currently insufficient to determine the role of this variant in disease. Therefore, it has been classified as a Variant of Uncertain Significance. This sequence change replaces serine, which is neutral and polar, with cysteine, which is neutral and slightly polar, at codon 2 of the WDR83OS protein (p.Ser2Cys). This variant is present in population databases (rs61742430, gnomAD 0.03%). This variant has not been reported in the literature in individuals affected with WDR83OS-related conditions. Algorithms developed to predict the effect of missense changes on protein structure and function are either unavailable or do not agree on the potential impact of this missense change (SIFT: "Deleterious"; PolyPhen-2: "Benign"; Align-GVGD: "Class C0").